The following is an entry in ClinVar:

NM_003970.4(MYOM2):c.2162A>G (p.Asn721Ser)

Gene: MYOM2 (myomesin 2; plus strand). Cytogenetic location: 8p23.3.
Variant type: single nucleotide variant.
Coding change: c.2162A>G on transcript NM_003970.4 (MANE Select); coding-DNA position 2162, A replaced by G.
Protein change: p.Asn721Ser; replaces asparagine 721 with serine.
Molecular consequence: missense variant.
Genome position (GRCh38, 1-based): chr8:2,096,283, A>G. VCF-style: chr8-2096283-A-G. GRCh37 (hg19) VCF-style: chr8-2044123-A-G.
Other names: c.2162A>G (NM_003970.2); short protein forms N721S.
Identifiers: ClinVar variation 3038040 (VCV003038040.3), dbSNP rs62478391, ClinGen allele CA170457153.
Genomic context (GRCh38, chr8:2,096,283, plus strand): 5'-CTCCCTGGTTGTGCTTCCTTGCAGCCGTCCCGTCCCATCCTTATGGGATTACGCTCCTCA[A>G]CTGTGACGGCCACTCCATGACCCTCGGCTGGAAGGTCCCGAAATTCAGTGGTGGCTCGCC-3'
Protein context (NP_003961.3, residues 711-731): PSHPYGITLL[Asn721Ser]CDGHSMTLGW

ClinVar aggregate classification (germline): Uncertain significance. Review status: criteria provided, single submitter (1 of 4 stars). 2 submissions from 2 submitters: Uncertain significance (1). 1 of the submissions does not count toward it. Last evaluated 2025-10-29.

Conditions:
MYOM2-related disorder. Also called: MYOM2-related condition.

Allele frequency attached by ClinVar (database versions not stated): 1000 Genomes Project 0.00020; 1000 Genomes Project 30x 0.00047; gnomAD 0.00068; ESP Exome Variant Server 0.00077; TOPMed 0.00079; ExAC 0.00020; gnomAD exomes 0.00006.
gnomAD v4.1: 206 of 1,614,114 alleles (0.013%); highest among the groups gnomAD compares: African/African-American, 0.22%; no homozygotes.

Submissions (2):

Ambry Genetics
Classification: Uncertain significance. Last evaluated: 2025-10-29. Review status: criteria provided, single submitter. Criteria: Ambry Variant Classification Scheme 2023. Collection method: clinical testing. Allele origin: germline.

PreventionGenetics, part of Exact Sciences
Classification: Likely benign for MYOM2-related condition. Last evaluated: 2019-03-06. Review status: no assertion criteria provided. Collection method: clinical testing. Allele origin: germline. Not counted in ClinVar's aggregate classification.
Comment: This variant is classified as likely benign based on ACMG/AMP sequence variant interpretation guidelines (Richards et al. 2015 PMID: 25741868, with internal and published modifications).